The following is an entry in ClinVar:

NM_198428.3(BBS9):c.702+7C>A

Gene: BBS9 (Bardet-Biedl syndrome 9; plus strand). Cytogenetic location: 7p14.3.
Variant type: single nucleotide variant.
Coding change: c.702+7C>A on transcript NM_198428.3 (MANE Select); 7 bases into the intron after coding-DNA position 702, C replaced by A.
Molecular consequence: intron variant.
Genome position (GRCh38, 1-based): chr7:33,264,381, C>A. VCF-style: chr7-33264381-C-A. GRCh37 (hg19) VCF-style: chr7-33303993-C-A.
Other names: c.702+7C>A (NM_001348036.1, NM_001362679.1, NM_001348041.4 and 5 more transcripts); c.429+7C>A (NM_001348038.3, NM_001348039.3); c.336+7C>A (NM_001348037.3, NM_001348045.3, NM_001348046.3 and 1 more transcripts); c.567+7C>A (NM_001348042.3).
Identifiers: ClinVar variation 4992715 (VCV004992715.1).
Genomic context (GRCh38, chr7:33,264,381, plus strand): 5'-GATAAAAGGCAGGAGACTGAACAGCAAAAACTTGGTTCTGGAAAAAGACTAGTTGTAAGG[C>A]CTTTTTTTAATATATAAAAATTTCAATAATGCTATATCTAATCACATATGTTTGTCAATA-3'

ClinVar aggregate classification (germline): Uncertain significance (1 of 4 stars; one submission).

Conditions:
BBS9-related disorder. Also called: BBS9-related condition.

gnomAD v4.1: 1 of 1,546,260 alleles (0.000065%); highest among the groups gnomAD compares: South Asian, 0.0012%; no homozygotes.

Submission:

PreventionGenetics, part of Exact Sciences
Classification: Uncertain significance for BBS9-related condition. Last evaluated: 2026-06-07. Review status: criteria provided, single submitter. Criteria: ACMG Guidelines, 2015. Collection method: clinical testing. Allele origin: germline.
Comment: The BBS9 c.702+7C>A variant is predicted to interfere with splicing. To our knowledge, this variant has not been reported in the literature. This variant is reported in 0.0% of alleles in individuals of African descent in gnomAD. At this time, the clinical significance of this variant is uncertain due to the absence of conclusive functional and genetic evidence.